The following is an entry in ClinVar:

NM_000071.3(CBS):c.1114G>T (p.Val372Phe)

Gene: CBS (cystathionine beta-synthase; minus strand). Cytogenetic location: 21q22.3.
Variant type: single nucleotide variant.
Coding change: c.1114G>T on transcript NM_000071.3 (MANE Select); coding-DNA position 1114, G replaced by T.
Protein change: p.Val372Phe; replaces valine 372 with phenylalanine.
Molecular consequence: missense variant.
Genome position (GRCh38, 1-based): chr21:43,060,472, C>A on the plus strand (G>T on the coding strand, the complement: CBS is on the minus strand). VCF-style: chr21-43060472-C-A. GRCh37 (hg19) VCF-style: chr21-44480582-C-A.
Other names: p.V372F:GTC>TTC; c.1114G>T, p.Val372Phe (NM_001178008.3, NM_001178009.3, NM_001320298.2); c.799G>T, p.Val267Phe (NM_001321072.1); short protein forms V372F, V267F.
Identifiers: ClinVar variation 212864 (VCV000212864.3), dbSNP rs775354680, ClinGen allele CA324632.

ClinVar aggregate classification (germline): Uncertain significance. Review status: criteria provided, single submitter (1 of 4 stars). 2 submissions from 2 submitters: Uncertain significance (1). 1 of the submissions does not count toward it. Last evaluated 2017-01-30.

Conditions:
Classic homocystinuria. Also called: Homocystinuria due to Cystathionine Beta-Synthase Deficiency; HOMOCYSTINURIA WITH OR WITHOUT RESPONSE TO PYRIDOXINE; Homocystinuria due to CBS deficiency; Cystathionine beta-synthase deficiency; CBS deficiency. Identifiers: Orphanet 394, MedGen C0751202, MONDO:0009352, OMIM 236200.

Submissions (2):

GeneDx
Classification: Uncertain significance. Last evaluated: 2017-01-30. Review status: criteria provided, single submitter. Criteria: GeneDx Variant Classification (06012015). Collection method: clinical testing. Allele origin: germline. Affected: yes.
Comment: p.Val372Phe (GTC>TTC): c.1114 G>T in exon 12 of the CBS gene (NM_000071.2). The Val372Phe variant in the CBS gene has not been reported as a disease-causing mutation nor as a benign polymorphism to our knowledge. Val372Phe results in a semi-conservative amino acid substitution of larger, non-polar Phenylalanine with a non-polar Valine at a position that is conserved across species. In silico analysis predicts Val372Phe is probably damaging to the protein structure/function. Mutations in nearby residues (Cys370Tyr, Val371Met, Asp376Asn) have been reported in association with homocystinuria, supporting the functional importance of this region of the protein. With the clinical and molecular information available at this time, we cannot definitively determine if Val372Phe is a disease-causing mutation or a rare benign variant. This variant was found in TAAD

Natera, Inc.
Classification: Uncertain significance for Homocystinuria due to cystathionine beta-synthase deficiency. Last evaluated: 2020-10-24. Review status: no assertion criteria provided. Collection method: clinical testing. Allele origin: germline. Not counted in ClinVar's aggregate classification.